The following is an entry in ClinVar:

NM_001376571.1(MADD):c.1883A>G (p.Tyr628Cys)

Gene: MADD (MAP kinase activating death domain; plus strand). Cytogenetic location: 11p11.2.
Variant type: single nucleotide variant.
Coding change: c.1883A>G on transcript NM_001376571.1 (MANE Select); coding-DNA position 1883, A replaced by G.
Protein change: p.Tyr628Cys; replaces tyrosine 628 with cysteine.
Molecular consequence: missense variant. On other transcripts: non-coding transcript variant (8).
Genome position (GRCh38, 1-based): chr11:47,284,198, A>G. VCF-style: chr11-47284198-A-G. GRCh37 (hg19) VCF-style: chr11-47305749-A-G.
Other names: c.1883A>G, p.Tyr628Cys (NM_001135943.2, NM_001135944.2, NM_001376572.1 and 80 more transcripts); c.1679A>G, p.Tyr560Cys (NM_001376620.1, NM_001376626.1, NM_001376627.1 and 9 more transcripts); c.1217A>G, p.Tyr406Cys (NM_001376663.1); short protein forms Y406C, Y560C, Y628C.
Identifiers: ClinVar variation 3338173 (VCV003338173.2).

ClinVar aggregate classification (germline): Uncertain significance (0 of 4 stars; one submission).

Conditions:
Autism (AUTS). Also called: Autistic disorder of childhood onset; Autistic disorder. Identifiers: MedGen C0004352, MeSH D001321, MONDO:0005260, OMIM 209850, HP:0000717.

gnomAD v4.1: 11 of 1,613,822 alleles (0.00068%); highest among the groups gnomAD compares: South Asian, 0.012%; 1 homozygote.

Submission:

Centre for Addiction & Mental Health
Classification: Uncertain significance for Autism. Review status: no assertion criteria provided. Collection method: research. Allele origin: biparental. Affected: yes. Observed: 1 homozygote. Segregation with disease observed.
Comment: Nonsynonymous variant in known disese gene; no homozygotes in gnomAD control data, but no functional assay data available